The following is an entry in ClinVar:

ClinVar aggregate classification (germline): Likely benign (1 of 4 stars; one submission).

Allele frequency attached by ClinVar (database versions not stated): gnomAD 0.00001 and 0.00002; gnomAD exomes 0.00001; TOPMed 0.00001; ExAC 0.00002.
gnomAD v4.1: 14 of 1,612,292 alleles (0.00087%); highest among the groups gnomAD compares: African/African-American, 0.0013%; no homozygotes.

Submission:

GeneDx
Classification: Likely benign. Last evaluated: 2018-02-07. Review status: criteria provided, single submitter. Criteria: GeneDx Variant Classification (06012015). Collection method: clinical testing. Allele origin: germline. Affected: yes.
Comment: This variant is considered likely benign or benign based on one or more of the following criteria: it is a conservative change, it occurs at a poorly conserved position in the protein, it is predicted to be benign by multiple in silico algorithms, and/or has population frequency not consistent with disease.

NM_017617.5(NOTCH1):c.1441+18A>G

Gene: NOTCH1 (notch receptor 1; minus strand). Cytogenetic location: 9q34.3.
Variant type: single nucleotide variant.
Coding change: c.1441+18A>G on transcript NM_017617.5 (MANE Select); 18 bases into the intron after coding-DNA position 1441, A replaced by G.
Molecular consequence: intron variant.
Genome position (GRCh38, 1-based): chr9:136,517,734, T>C on the plus strand (A>G on the coding strand, the complement: NOTCH1 is on the minus strand). VCF-style: chr9-136517734-T-C. GRCh37 (hg19) VCF-style: chr9-139412186-T-C.
Other names: c.1441+18A>G (LRG_1122t1).
Identifiers: ClinVar variation 515215 (VCV000515215.1), dbSNP rs760171880, ClinGen allele CA5341802.